The following is an entry in ClinVar:

NM_000059.4(BRCA2):c.7008-5T>G

Gene: BRCA2 (BRCA2 DNA repair associated; plus strand). Cytogenetic location: 13q13.1.
Variant type: single nucleotide variant.
Coding change: c.7008-5T>G on transcript NM_000059.4 (MANE Select); 5 bases into the intron before coding-DNA position 7008, T replaced by G.
Molecular consequence: intron variant.
Genome position (GRCh38, 1-based): chr13:32,354,856, T>G. VCF-style: chr13-32354856-T-G. GRCh37 (hg19) VCF-style: chr13-32928993-T-G.
Other names: c.7008-5T>G (NM_001406720.1); c.6912-5T>G (NM_001406719.1); c.2076-5T>G (NM_001406721.1); c.591-5T>G (NM_001406722.1).
Identifiers: ClinVar variation 2681834 (VCV002681834.4), dbSNP rs397507380, ClinGen allele CA2697551740.

ClinVar aggregate classification (germline): Uncertain significance. Review status: criteria provided, multiple submitters, no conflicts (2 of 4 stars). 2 submissions from 2 submitters: Uncertain significance (2). Last evaluated 2023-08-10.

Conditions:
Hereditary breast ovarian cancer syndrome. Also called: Hereditary breast and ovarian cancer syndrome; Hereditary breast and ovarian cancer syndrome (HBOC); BRCA1- and BRCA2-Associated Hereditary Breast and Ovarian Cancer; Hereditary breast and ovarian cancer; Breast and ovarian cancer; Hereditary breast and/or ovarian cancer syndrome. Identifiers: Orphanet 145, MedGen C0677776, MeSH D061325, MONDO:0003582. Disease mechanism: loss of function.

Submissions (2):

Labcorp Genetics (formerly Invitae), Labcorp
Classification: Uncertain significance for Hereditary breast ovarian cancer syndrome. Last evaluated: 2023-08-10. Review status: criteria provided, single submitter. Criteria: Invitae Variant Classification Sherloc (09022015). Collection method: clinical testing. Allele origin: germline.
Comment: In summary, the available evidence is currently insufficient to determine the role of this variant in disease. Therefore, it has been classified as a Variant of Uncertain Significance. Algorithms developed to predict the effect of sequence changes on RNA splicing suggest that this variant may disrupt the consensus splice site. This variant has not been reported in the literature in individuals affected with BRCA2-related conditions. This variant is not present in population databases (gnomAD no frequency). This sequence change falls in intron 13 of the BRCA2 gene. It does not directly change the encoded amino acid sequence of the BRCA2 protein.

Quest Diagnostics Nichols Institute San Juan Capistrano
Classification: Uncertain significance. Last evaluated: 2023-07-17. Review status: criteria provided, single submitter. Criteria: Quest Diagnostics criteria. Collection method: clinical testing. Allele origin: unknown.
Comment: To the best of our knowledge, this variant has not been reported in the published literature. It also has not been reported in large, multi-ethnic general populations (Genome Aggregation Database). Analysis of this variant using software algorithms for the prediction of the effect of nucleotide changes on splicing yielded predictions that this variant may affect proper BRCA2 mRNA splicing . Based on the available information, we are unable to determine the clinical significance of this variant.